The following is an entry in ClinVar:

ClinVar aggregate classification (germline): Likely pathogenic (1 of 4 stars; one submission).

Conditions:
Primary ciliary dyskinesia 3. Identifiers: Orphanet 244, MedGen C1837618, MONDO:0012085, OMIM 608644.

Submission:

Myriad Genetics, Inc.
Classification: Likely pathogenic for Primary ciliary dyskinesia 3. Last evaluated: 2022-01-02. Review status: criteria provided, single submitter. Criteria: Myriad Women's Health Autosomal Recessive and X-Linked Classification Criteria (2021). Collection method: clinical testing. Allele origin: unknown.
Comment: NM_001369.2(DNAH5):c.3162_3163ins7(L1055Tfs*20) is expected to be pathogenic in the context of DNAH5-related primary ciliary dyskinesia. This variant is predicted to lead to an abnormal or absent protein product due to the creation of a premature termination codon in DNAH5, a gene where loss-of-function variants are known to be pathogenic. Please note: this variant was assessed in the context of healthy population screening.

NM_001369.3(DNAH5):c.3162_3163insACCATTT (p.Leu1055fs)

Genes: DNAH5 (dynein axonemal heavy chain 5; minus strand), DNAH5-AS1 (DNAH5 antisense RNA 1; plus strand). Cytogenetic location: 5p15.2.
Variant type: Insertion.
Coding change: c.3162_3163insACCATTT on transcript NM_001369.3 (MANE Select); coding-DNA positions 3162 to 3163, ACCATTT inserted.
Protein change: p.Leu1055fs; shifts the reading frame from leucine 1055.
Molecular consequence: frameshift variant.
Genome position: GRCh38 VCF-style: chr5-13882915-G-GAAATGGT. GRCh37 (hg19) VCF-style: chr5-13883024-G-GAAATGGT.
Other names: short protein forms L1055fs.
Identifiers: ClinVar variation 1726807 (VCV001726807.2), dbSNP rs2547030766, ClinGen allele CA2580072093.